The following is an entry in ClinVar:

ClinVar aggregate classification (germline): Uncertain significance (1 of 4 stars; one submission).

Submission:

Labcorp Genetics (formerly Invitae), Labcorp
Classification: Uncertain significance. Last evaluated: 2024-11-25. Review status: criteria provided, single submitter. Criteria: Invitae Variant Classification Sherloc (09022015). Collection method: clinical testing. Allele origin: germline.
Comment: This sequence change replaces alanine, which is neutral and non-polar, with threonine, which is neutral and polar, at codon 171 of the CDK13 protein (p.Ala171Thr). This variant is not present in population databases (gnomAD no frequency). This variant has not been reported in the literature in individuals affected with CDK13-related conditions. Invitae Evidence Modeling of protein sequence and biophysical properties (such as structural, functional, and spatial information, amino acid conservation, physicochemical variation, residue mobility, and thermodynamic stability) indicates that this missense variant is not expected to disrupt CDK13 protein function with a negative predictive value of 95%. In summary, the available evidence is currently insufficient to determine the role of this variant in disease. Therefore, it has been classified as a Variant of Uncertain Significance.

NM_003718.5(CDK13):c.511G>A (p.Ala171Thr)

Gene: CDK13 (cyclin dependent kinase 13; plus strand). Cytogenetic location: 7p14.1.
Variant type: single nucleotide variant.
Coding change: c.511G>A on transcript NM_003718.5 (MANE Select); coding-DNA position 511, G replaced by A.
Protein change: p.Ala171Thr; replaces alanine 171 with threonine.
Molecular consequence: missense variant.
Genome position (GRCh38, 1-based): chr7:39,951,152, G>A. VCF-style: chr7-39951152-G-A. GRCh37 (hg19) VCF-style: chr7-39990751-G-A.
Other names: c.511G>A, p.Ala171Thr (NM_031267.4); short protein forms A171T.
Identifiers: ClinVar variation 3621092 (VCV003621092.2).